The following is an entry in ClinVar:

NM_004958.4(MTOR):c.948C>G (p.Phe316Leu)

Gene: MTOR (mechanistic target of rapamycin kinase; minus strand). Cytogenetic location: 1p36.22.
Variant type: single nucleotide variant.
Coding change: c.948C>G on transcript NM_004958.4 (MANE Select); coding-DNA position 948, C replaced by G.
Protein change: p.Phe316Leu; replaces phenylalanine 316 with leucine.
Molecular consequence: missense variant. On other transcripts: 5 prime UTR variant (1).
Genome position (GRCh38, 1-based): chr1:11,247,987, G>C on the plus strand (C>G on the coding strand, the complement: MTOR is on the minus strand). VCF-style: chr1-11247987-G-C. GRCh37 (hg19) VCF-style: chr1-11308044-G-C.
Other names: c.948C>G, p.Phe316Leu (NM_001386500.1); c.-192C>G (NM_001386501.1); short protein forms F316L.
Identifiers: ClinVar variation 4881808 (VCV004881808.2).
Genomic context (GRCh38, chr1:11,247,987, plus strand): 5'-GTACCCCAGCAGCCCCACCAAGGCATTTGACTGCTGGGGCTGTACAGCCTGGAAACTGGT[G>C]AAGGGGGTAATGTGACGAGGTTTTGTTCCGAAGCCCATGAGATCTTTGCAGTACTTGTCG-3'
Protein context (NP_004949.1, residues 306-326): FGTKPRHITP[Phe316Leu]TSFQAVQPQQ

ClinVar aggregate classification (germline): Uncertain significance (1 of 4 stars; one submission).

Submission:

Dasa
Classification: Uncertain significance. Last evaluated: 2025-11-10. Review status: criteria provided, single submitter. Criteria: DASA Assertion Criteria. Collection method: clinical testing. Allele origin: germline.
Comment: NM_004958.4(MTOR):c.948C>G (p.Phe316Leu) is a missense variant that results in the substitution of phenylalanine with leucine. This variant is absent from population databases. The currently available literature and clinical evidence are not sufficient to establish a definitive association between this variant and the reported condition. Therefore, this variant is classified as a variant of uncertain significance.